The following is an entry in ClinVar:

ClinVar aggregate classification (germline): Uncertain significance (1 of 4 stars; one submission).

Conditions:
Sjögren-Larsson syndrome (SLS). Also called: ICHTHYOSIS, SPASTIC NEUROLOGIC DISORDER, AND OLIGOPHRENIA; FALDH DEFICIENCY; FATTY ALCOHOL:NAD+ OXIDOREDUCTASE DEFICIENCY; FATTY ALDEHYDE DEHYDROGENASE DEFICIENCY. Identifiers: Orphanet 816, MedGen C0037231, MONDO:0010031, OMIM 270200.

Submission:

Juno Genomics, Hangzhou Juno Genomics, Inc
Classification: Uncertain significance for Sjögren-Larsson syndrome. Review status: criteria provided, single submitter. Criteria: ACMG Guidelines, 2015. Collection method: clinical testing. Allele origin: germline.
Comment: Absent from controls (or at extremely low frequency if recessive) in Genome Aggregation Database.;Multiple lines of computational evidence support a deleterious effect on the gene or gene product.

NM_000382.3(ALDH3A2):c.43G>C (p.Gly15Arg)

Gene: ALDH3A2 (aldehyde dehydrogenase 3 family member A2; plus strand). Cytogenetic location: 17p11.2.
Variant type: single nucleotide variant.
Coding change: c.43G>C on transcript NM_000382.3 (MANE Select); coding-DNA position 43, G replaced by C.
Protein change: p.Gly15Arg; replaces glycine 15 with arginine.
Molecular consequence: missense variant. On other transcripts: 5 prime UTR variant (1).
Genome position (GRCh38, 1-based): chr17:19,649,014, G>C. VCF-style: chr17-19649014-G-C. GRCh37 (hg19) VCF-style: chr17-19552327-G-C.
Other names: c.43G>C, p.Gly15Arg (NM_001031806.2, NM_001369136.1, NM_001369137.2 and 3 more transcripts); c.-646G>C (NM_001369148.2); short protein forms G15R.
Identifiers: ClinVar variation 5019526 (VCV005019526.2).
Genomic context (GRCh38, chr17:19,649,014, plus strand): 5'-TCTCTGCAGGACCAGGCCATGGAGCTCGAAGTCCGGCGGGTCCGACAGGCGTTCCTGTCC[G>C]GCCGGTCGCGACCTCTGCGGTTTCGGCTGCAGCAGCTGGAGGCCCTGCGGAGGATGGTGC-3'
Protein context (NP_000373.1, residues 5-25): VRRVRQAFLS[Gly15Arg]RSRPLRFRLQ